The following is an entry in ClinVar:

ClinVar aggregate classification (germline): Uncertain significance (1 of 4 stars; one submission).

Allele frequency attached by ClinVar (database versions not stated): TOPMed below 0.00001.

Submission:

Labcorp Genetics (formerly Invitae), Labcorp
Classification: Uncertain significance. Last evaluated: 2021-08-18. Review status: criteria provided, single submitter. Criteria: Invitae Variant Classification Sherloc (09022015). Collection method: clinical testing. Allele origin: germline.
Comment: This sequence change replaces histidine with arginine at codon 214 of the TK2 protein (p.His214Arg). The histidine residue is weakly conserved and there is a small physicochemical difference between histidine and arginine. This variant is not present in population databases (ExAC no frequency). This variant has not been reported in the literature in individuals affected with TK2-related conditions. Advanced modeling of protein sequence and biophysical properties (such as structural, functional, and spatial information, amino acid conservation, physicochemical variation, residue mobility, and thermodynamic stability) performed at Invitae indicates that this missense variant is not expected to disrupt TK2 protein function. In summary, the available evidence is currently insufficient to determine the role of this variant in disease. Therefore, it has been classified as a Variant of Uncertain Significance.

NM_004614.5(TK2):c.641A>G (p.His214Arg)

Gene: TK2 (thymidine kinase 2; minus strand). Cytogenetic location: 16q21.
Variant type: single nucleotide variant.
Coding change: c.641A>G on transcript NM_004614.5 (MANE Select); coding-DNA position 641, A replaced by G.
Protein change: p.His214Arg; replaces histidine 214 with arginine.
Molecular consequence: missense variant. On other transcripts: non-coding transcript variant (1).
Genome position (GRCh38, 1-based): chr16:66,513,789, T>C on the plus strand (A>G on the coding strand, the complement: TK2 is on the minus strand). VCF-style: chr16-66513789-T-C. GRCh37 (hg19) VCF-style: chr16-66547692-T-C.
Other names: c.548A>G, p.His183Arg (NM_001172643.1); c.566A>G, p.His189Arg (NM_001172644.2); c.587A>G, p.His196Arg (NM_001172645.2); c.494A>G, p.His165Arg (NM_001271934.2); c.379A>G, p.Ile127Val (NM_001271935.1); c.350A>G, p.His117Arg (NM_001272050.2); short protein forms H117R, H183R, H189R, H214R, H165R, H196R, I127V.
Identifiers: ClinVar variation 1376039 (VCV001376039.3), dbSNP rs1316000835, ClinGen allele CA396187272.